The following is an entry in ClinVar:

ClinVar aggregate classification (germline): Uncertain significance (1 of 4 stars; one submission).

Conditions:
Hereditary cancer-predisposing syndrome. Also called: Hereditary Cancer Syndrome; Hereditary neoplastic syndrome; Neoplastic Syndromes, Hereditary; Tumor predisposition. Identifiers: Orphanet 140162, MedGen C0027672, MeSH D009386, MONDO:0015356.

Submission:

Ambry Genetics
Classification: Uncertain significance for Hereditary cancer-predisposing syndrome. Last evaluated: 2025-09-01. Review status: criteria provided, single submitter. Criteria: Ambry Variant Classification Scheme 2023. Collection method: clinical testing. Allele origin: germline.
Comment: The p.S393R variant (also known as c.1179C>G), located in coding exon 12 of the FANCC gene, results from a C to G substitution at nucleotide position 1179. The serine at codon 393 is replaced by arginine, an amino acid with dissimilar properties. This amino acid position is conserved. In addition, this alteration is predicted to be tolerated by in silico analysis. Based on the available evidence, the clinical significance of this variant remains unclear.

NM_000136.3(FANCC):c.1179C>G (p.Ser393Arg)

Genes: AOPEP (aminopeptidase O (putative); plus strand), FANCC (FA complementation group C; minus strand). Cytogenetic location: 9q22.32.
Variant type: single nucleotide variant.
Coding change: c.1179C>G on transcript NM_000136.3 (MANE Select); coding-DNA position 1179, C replaced by G.
Protein change: p.Ser393Arg; replaces serine 393 with arginine.
Molecular consequence: missense variant.
Genome position (GRCh38, 1-based): chr9:95,111,613, G>C on the plus strand (C>G on the coding strand, the complement: FANCC is on the minus strand). VCF-style: chr9-95111613-G-C. GRCh37 (hg19) VCF-style: chr9-97873895-G-C.
Other names: c.1179C>G, p.Ser393Arg (NM_001243743.2, NM_001243744.2); short protein forms S393R.
Identifiers: ClinVar variation 4254399 (VCV004254399.1).